The following is an entry in ClinVar:

ClinVar aggregate classification (germline): Benign/Likely benign. Review status: criteria provided, multiple submitters, no conflicts (2 of 4 stars). 5 submissions from 5 submitters: Benign (2); Likely benign (1). 2 of the submissions do not count toward it. Last evaluated 2026-02-01.

Allele frequency attached by ClinVar (database versions not stated): gnomAD 0.00365 and 0.00368; TOPMed 0.00374; ESP Exome Variant Server 0.00392; 1000 Genomes Project 0.00399; 1000 Genomes Project 30x 0.00468.
gnomAD v4.1: 7,679 of 1,613,892 alleles (0.48%); highest among the groups gnomAD compares: Non-Finnish European, 0.57%; 22 homozygotes.

Submissions (5):

Labcorp Genetics (formerly Invitae), Labcorp
Classification: Benign. Last evaluated: 2026-02-01. Review status: criteria provided, single submitter. Criteria: Invitae Variant Classification Sherloc (09022015). Collection method: clinical testing. Allele origin: germline.

CeGaT Center for Human Genetics Tuebingen
Classification: Likely benign. Last evaluated: 2024-06-01. Review status: criteria provided, single submitter. Criteria: CeGaT Center For Human Genetics Tuebingen Variant Classification Criteria Version 2. Collection method: clinical testing. Allele origin: germline. Affected: yes. Observed: 1 variant allele.
Comment: SPINT2: BP4, BS2

Breakthrough Genomics
Classification: Benign. Review status: criteria provided, single submitter. Criteria: ACMG Guidelines, 2015. Collection method: not provided. Allele origin: germline. Inheritance: Autosomal recessive inheritance. Affected: yes.

Clinical Genetics DNA and cytogenetics Diagnostics Lab, Erasmus MC, Erasmus Medical Center
Classification: Likely benign. Review status: no assertion criteria provided. Collection method: clinical testing. Allele origin: germline. Affected: yes. Study: VKGL Data-share Consensus. Not counted in ClinVar's aggregate classification.

Genome Diagnostics Laboratory, University Medical Center Utrecht
Classification: Likely benign. Review status: no assertion criteria provided. Collection method: clinical testing. Allele origin: germline. Affected: yes. Study: VKGL Data-share Consensus. Not counted in ClinVar's aggregate classification.

NM_021102.4(SPINT2):c.592+3A>G

Gene: SPINT2 (serine peptidase inhibitor, Kunitz type 2; plus strand). Cytogenetic location: 19q13.2.
Variant type: single nucleotide variant.
Coding change: c.592+3A>G on transcript NM_021102.4 (MANE Select); 3 bases into the intron after coding-DNA position 592, A replaced by G.
Molecular consequence: intron variant.
Genome position (GRCh38, 1-based): chr19:38,290,578, A>G. VCF-style: chr19-38290578-A-G. GRCh37 (hg19) VCF-style: chr19-38781218-A-G.
Other names: c.421+3A>G (NM_001166103.2).
Identifiers: ClinVar variation 774527 (VCV000774527.32), dbSNP rs111990687, ClinGen allele CA9411528.
Genomic context (GRCh38, chr19:38,290,578, plus strand): 5'-GCTGTGTGTTCTCTTCCAGGCCAGCAGGAGAATCCTCCCCTGCCCCTTGGCTCAAAGGGT[A>G]AGTGGCCCCTTACCCTCCTCCTGCCATCAGCCTGCCTCCTCCCTTCCTTGACTGAGCTCA-3'